The following is an entry in ClinVar:

NM_153717.3(EVC):c.2488G>T (p.Glu830Ter)

Gene: EVC (EvC ciliary complex subunit 1; plus strand). Cytogenetic location: 4p16.2.
Variant type: single nucleotide variant.
Coding change: c.2488G>T on transcript NM_153717.3 (MANE Select); coding-DNA position 2488, G replaced by T.
Protein change: p.Glu830Ter; replaces glutamic acid 830 with a stop codon.
Molecular consequence: nonsense.
Genome position (GRCh38, 1-based): chr4:5,804,768, G>T. VCF-style: chr4-5804768-G-T. GRCh37 (hg19) VCF-style: chr4-5806495-G-T.
Other names: c.2488G>T, p.Glu830Ter (NM_001306090.2); short protein forms E830*.
Identifiers: ClinVar variation 1383767 (VCV001383767.7), dbSNP rs2152375194, ClinGen allele CA356149320.

ClinVar aggregate classification (germline): Pathogenic (1 of 4 stars; one submission).

Conditions:
Ellis-van Creveld syndrome (EVC). Also called: Chondroectodermal dysplasia; EVC-Related Ellis-van Creveld Syndrome; EVC2-Related Ellis-van Creveld Syndrome; MESOECTODERMAL DYSPLASIA. Identifiers: Orphanet 289, MedGen C0013903, MONDO:0009162, OMIM 225500.
Curry-Hall syndrome (WAD). Also called: WEYERS ACRODENTAL DYSOSTOSIS. Identifiers: Orphanet 952, MedGen C0457013, MONDO:0008673, OMIM 193530.

gnomAD v4.1: 1 of 1,614,190 alleles (0.000062%); highest among the groups gnomAD compares: South Asian, 0.0011%; no homozygotes.

Submission:

Labcorp Genetics (formerly Invitae), Labcorp
Classification: Pathogenic for Curry-Hall syndrome; Ellis-van Creveld syndrome. Last evaluated: 2023-04-28. Review status: criteria provided, single submitter. Criteria: Invitae Variant Classification Sherloc (09022015). Collection method: clinical testing. Allele origin: germline.
Comment: ClinVar contains an entry for this variant (Variation ID: 1383767). This sequence change creates a premature translational stop signal (p.Glu830*) in the EVC gene. It is expected to result in an absent or disrupted protein product. Loss-of-function variants in EVC are known to be pathogenic (PMID: 23220543). This variant is not present in population databases (gnomAD no frequency). This variant has not been reported in the literature in individuals affected with EVC-related conditions. Algorithms developed to predict the effect of sequence changes on RNA splicing suggest that this variant may disrupt the consensus splice site. For these reasons, this variant has been classified as Pathogenic.

Literature cited by the submitters: PubMed 23220543.